The following is an entry in ClinVar:

NM_001080517.3(SETD5):c.1427C>G (p.Ser476Cys)

Gene: SETD5 (SET domain containing 5; plus strand). Cytogenetic location: 3p25.3.
Variant type: single nucleotide variant.
Coding change: c.1427C>G on transcript NM_001080517.3 (MANE Select); coding-DNA position 1427, C replaced by G.
Protein change: p.Ser476Cys; replaces serine 476 with cysteine.
Molecular consequence: missense variant.
Genome position (GRCh38, 1-based): chr3:9,445,287, C>G. VCF-style: chr3-9445287-C-G. GRCh37 (hg19) VCF-style: chr3-9486971-C-G.
Other names: c.1133C>G, p.Ser378Cys (NM_001292043.2, NM_001349451.2); short protein forms S378C, S476C.
Identifiers: ClinVar variation 1710561 (VCV001710561.3), dbSNP rs753275152, ClinGen allele CA2239149.

ClinVar aggregate classification (germline): Conflicting classifications of pathogenicity. Review status: criteria provided, conflicting classifications (1 of 4 stars). 2 submissions from 2 submitters: Uncertain significance (1); Likely benign (1). Last evaluated 2025-03-19.

Allele frequency attached by ClinVar (database versions not stated): ExAC 0.00003.
gnomAD v4.1: 5 of 1,604,560 alleles (0.00031%); highest among the groups gnomAD compares: African/African-American, 0.0067%; no homozygotes.

Submissions (2):

Labcorp Genetics (formerly Invitae), Labcorp
Classification: Likely benign. Last evaluated: 2025-03-19. Review status: criteria provided, single submitter. Criteria: Invitae Variant Classification Sherloc (09022015). Collection method: clinical testing. Allele origin: germline.

GeneDx
Classification: Uncertain significance. Last evaluated: 2022-04-11. Review status: criteria provided, single submitter. Criteria: GeneDx Variant Classification Process June 2021. Collection method: clinical testing. Allele origin: germline. Affected: yes.
Comment: In silico analysis supports that this missense variant has a deleterious effect on protein structure/function; Has not been previously published as pathogenic or benign to our knowledge